The following is an entry in ClinVar:

ClinVar aggregate classification (germline): Uncertain significance (1 of 4 stars; one submission).

Conditions:
Cardiovascular phenotype. Identifiers: MedGen CN230736.

Submission:

Ambry Genetics
Classification: Uncertain significance for Cardiovascular phenotype. Last evaluated: 2024-01-12. Review status: criteria provided, single submitter. Criteria: Ambry Variant Classification Scheme 2023. Collection method: clinical testing. Allele origin: germline.
Comment: The c.3837+2T>C intronic variant results from a T to C substitution two nucleotides after coding exon 12 in the AKAP9 gene. This nucleotide position is highly conserved in available vertebrate species. In silico splice site analysis predicts that this alteration will weaken the native splice donor site and may result in the creation or strengthening of a novel splice donor site. Alterations that disrupt the canonical splice site are expected to cause aberrant splicing, resulting in an abnormal protein or a transcript that is subject to nonsense-mediated mRNA decay. However, loss of function of AKAP9 has not been established as a mechanism of disease. The evidence for this gene-disease relationship is limited; therefore, the clinical significance of this alteration is unclear.

NM_005751.5(AKAP9):c.3837+2T>C

Gene: AKAP9 (A-kinase anchoring protein 9; plus strand). Cytogenetic location: 7q21.2.
Variant type: single nucleotide variant.
Coding change: c.3837+2T>C on transcript NM_005751.5 (MANE Select); the canonical splice donor site of the intron after coding-DNA position 3837, T replaced by C.
Molecular consequence: splice donor variant.
Genome position (GRCh38, 1-based): chr7:92,017,104, T>C. VCF-style: chr7-92017104-T-C. GRCh37 (hg19) VCF-style: chr7-91646418-T-C.
Other names: c.3837+2T>C (NM_147185.3).
Identifiers: ClinVar variation 3225054 (VCV003225054.1), dbSNP rs2130716370, ClinGen allele CA368127356.